The following is an entry in ClinVar:

NM_000059.4(BRCA2):c.9191del (p.Asp3064fs)

Gene: BRCA2 (BRCA2 DNA repair associated; plus strand). Cytogenetic location: 13q13.1.
Variant type: Deletion.
Coding change: c.9191del on transcript NM_000059.4 (MANE Select); coding-DNA position 9191, one base deleted (A; older notation c.9191delA).
Protein change: p.Asp3064fs; shifts the reading frame from aspartic acid 3064.
Molecular consequence: frameshift variant.
Genome position (GRCh38, 1-based): chr13:32,380,080, A deleted. VCF-style (leftmost placement, unchanged base first): chr13-32380079-GA-G. GRCh37 (hg19) VCF-style: chr13-32954216-GA-G.
Other names: short protein forms D3064fs.
Identifiers: ClinVar variation 1217278 (VCV001217278.1), dbSNP rs2137625213, ClinGen allele CA2499222369.

ClinVar aggregate classification (germline): Likely pathogenic (1 of 4 stars; one submission).

Conditions:
Hereditary breast ovarian cancer syndrome. Also called: Hereditary breast and ovarian cancer; Hereditary breast and ovarian cancer syndrome (HBOC); Hereditary breast and/or ovarian cancer syndrome; BRCA1- and BRCA2-Associated Hereditary Breast and Ovarian Cancer; Hereditary breast and ovarian cancer syndrome; Breast and ovarian cancer. Identifiers: Orphanet 145, MedGen C0677776, MeSH D061325, MONDO:0003582. Disease mechanism: loss of function.

Submission:

Women's Health and Genetics/Laboratory Corporation of America, LabCorp
Classification: Likely pathogenic for Hereditary breast ovarian cancer syndrome. Last evaluated: 2021-08-27. Review status: criteria provided, single submitter. Criteria: LabCorp Variant Classification Summary - May 2015. Collection method: clinical testing. Allele origin: germline.
Comment: Variant summary: BRCA2 c.9191delA (p.Asp3064AlafsX11) results in a premature termination codon, predicted to cause a truncation of the encoded protein or absence of the protein due to nonsense mediated decay, which are commonly known mechanisms for disease. Truncations downstream of this position have been classified as pathogenic by our laboratory. The variant was absent in 251296 control chromosomes. A different nucleotide change (reported as c.9190_9234delins25) translating to a similar effect at the protein level as c.9191delA, namely, p.Asp3064fs, has been reported in the literature in at-least one family affected with Hereditary Breast And Ovarian Cancer Syndrome (example, van der Hout_2006). These report(s) do not provide unequivocal conclusions about association of this specific variant with Hereditary Breast And Ovarian Cancer Syndrome. To our knowledge, no experimental evidence demonstrating an impact on protein function has been reported. No clinical diagnostic laboratories have submitted clinical-significance assessments for this variant to ClinVar after 2014. Based on the evidence outlined above, the variant was classified as likely pathogenic.

Literature cited by the submitters: PubMed 16683254.